The following is an entry in ClinVar:

ClinVar aggregate classification (germline): Pathogenic (1 of 4 stars; one submission).

Submission:

Labcorp Genetics (formerly Invitae), Labcorp
Classification: Pathogenic. Last evaluated: 2022-09-27. Review status: criteria provided, single submitter. Criteria: Invitae Variant Classification Sherloc (09022015). Collection method: clinical testing. Allele origin: germline.
Comment: For these reasons, this variant has been classified as Pathogenic. This variant disrupts a region of the PRPF31 protein in which other variant(s) (deletion of exons 10-11) have been determined to be pathogenic (PMID: 32036094). This suggests that this is a clinically significant region of the protein, and that variants that disrupt it are likely to be disease-causing. This variant has not been reported in the literature in individuals affected with PRPF31-related conditions. This variant is a gross deletion of the genomic region encompassing exon(s) 10-13 of the PRPF31 gene. This variant would be expected to be in-frame, preserving the integrity of the reading frame.

Literature cited by the submitters: PubMed 32036094.

NC_000019.9:g.(?_54631428)_(54632765_?)del

Gene: PRPF31 (pre-mRNA processing factor 31; plus strand). Cytogenetic location: 19q13.42.
Variant type: Deletion.
Identifiers: ClinVar variation 2426195 (VCV002426195.3).